The following is an entry in ClinVar:

ClinVar aggregate classification (germline): Uncertain significance (1 of 4 stars; one submission).

Conditions:
Emery-Dreifuss muscular dystrophy 5, autosomal dominant (EDMD5). Also called: EMERY-DREIFUSS MUSCULAR DYSTROPHY 5. Identifiers: Orphanet 261, MedGen C2751805, MONDO:0013072, OMIM 612999.

Submission:

Labcorp Genetics (formerly Invitae), Labcorp
Classification: Uncertain significance for Emery-Dreifuss muscular dystrophy 5, autosomal dominant. Last evaluated: 2025-12-14. Review status: criteria provided, single submitter. Criteria: Invitae Variant Classification Sherloc (09022015). Collection method: clinical testing. Allele origin: germline.
Comment: This sequence change replaces methionine, which is neutral and non-polar, with threonine, which is neutral and polar, at codon 1244 of the SYNE2 protein (p.Met1244Thr). This variant is present in population databases (rs750605421, gnomAD 0.002%). This variant has not been reported in the literature in individuals affected with SYNE2-related conditions. An algorithm developed to predict the effect of missense changes on protein structure and function (PolyPhen-2) suggests that this variant is likely to be tolerated. In summary, the available evidence is currently insufficient to determine the role of this variant in disease. Therefore, it has been classified as a Variant of Uncertain Significance.

NM_182914.3(SYNE2):c.3731T>C (p.Met1244Thr)

Gene: SYNE2 (spectrin repeat containing nuclear envelope protein 2; plus strand). Cytogenetic location: 14q23.2.
Variant type: single nucleotide variant.
Coding change: c.3731T>C on transcript NM_182914.3 (MANE Select); coding-DNA position 3731, T replaced by C.
Protein change: p.Met1244Thr; replaces methionine 1244 with threonine.
Molecular consequence: missense variant.
Genome position (GRCh38, 1-based): chr14:64,002,026, T>C. VCF-style: chr14-64002026-T-C. GRCh37 (hg19) VCF-style: chr14-64468744-T-C.
Other names: c.3731T>C, p.Met1244Thr (NM_015180.6); short protein forms M1244T.
Identifiers: ClinVar variation 4733156 (VCV004733156.1).